The following is an entry in ClinVar:

NM_015346.4(ZFYVE26):c.4967G>C (p.Gly1656Ala)

Gene: ZFYVE26 (zinc finger FYVE-type containing 26; minus strand). Cytogenetic location: 14q24.1.
Variant type: single nucleotide variant.
Coding change: c.4967G>C on transcript NM_015346.4 (MANE Select); coding-DNA position 4967, G replaced by C.
Protein change: p.Gly1656Ala; replaces glycine 1656 with alanine.
Molecular consequence: missense variant.
Genome position (GRCh38, 1-based): chr14:67,777,566, C>G on the plus strand (G>C on the coding strand, the complement: ZFYVE26 is on the minus strand). VCF-style: chr14-67777566-C-G. GRCh37 (hg19) VCF-style: chr14-68244283-C-G.
Other names: short protein forms G1656A.
Identifiers: ClinVar variation 1450997 (VCV001450997.6), dbSNP rs1402088177, ClinGen allele CA390168613.
Genomic context (GRCh38, chr14:67,777,566, plus strand): 5'-CTCCTTACCTTGGATCCCACATACAGCGCCTGGATTTCACGGTGTATCCTTACCTTGGAT[C>G]CCACATACAGCGCCTGGATTTCACGGTGTCGGACAGCAGTCAGTTGTCCATAGAAGTGGG-3'
Protein context (NP_056161.2, residues 1646-1666): RHREIQALYV[Gly1656Ala]SKILLTLPEQ

ClinVar aggregate classification (germline): Uncertain significance (1 of 4 stars; one submission).

Conditions:
Spastic paraplegia. Identifiers: MedGen C0037772, HP:0001258.

Allele frequency attached by ClinVar (database versions not stated): gnomAD exomes below 0.00001.
gnomAD v4.1: 1 of 1,613,850 alleles (0.000062%); highest among the groups gnomAD compares: Admixed American, 0.0017%; no homozygotes.

Submission:

Labcorp Genetics (formerly Invitae), Labcorp
Classification: Uncertain significance for Spastic paraplegia. Last evaluated: 2021-11-11. Review status: criteria provided, single submitter. Criteria: Invitae Variant Classification Sherloc (09022015). Collection method: clinical testing. Allele origin: germline.
Comment: In summary, the available evidence is currently insufficient to determine the role of this variant in disease. Therefore, it has been classified as a Variant of Uncertain Significance. Algorithms developed to predict the effect of missense changes on protein structure and function are either unavailable or do not agree on the potential impact of this missense change (SIFT: "Tolerated"; PolyPhen-2: "Probably Damaging"; Align-GVGD: "Class C0"). This variant has not been reported in the literature in individuals affected with ZFYVE26-related conditions. This variant is present in population databases (no rsID available, gnomAD 0.003%). This sequence change replaces glycine, which is neutral and non-polar, with alanine, which is neutral and non-polar, at codon 1656 of the ZFYVE26 protein (p.Gly1656Ala).